The following is an entry in ClinVar:

ClinVar aggregate classification (germline): Uncertain significance (1 of 4 stars; one submission).

Submission:

Labcorp Genetics (formerly Invitae), Labcorp
Classification: Uncertain significance. Last evaluated: 2023-11-27. Review status: criteria provided, single submitter. Criteria: Invitae Variant Classification Sherloc (09022015). Collection method: clinical testing. Allele origin: germline.
Comment: This sequence change replaces glycine, which is neutral and non-polar, with valine, which is neutral and non-polar, at codon 736 of the COL11A1 protein (p.Gly736Val). This variant is not present in population databases (gnomAD no frequency). This variant has not been reported in the literature in individuals affected with COL11A1-related conditions. ClinVar contains an entry for this variant (Variation ID: 1514828). Advanced modeling of protein sequence and biophysical properties (such as structural, functional, and spatial information, amino acid conservation, physicochemical variation, residue mobility, and thermodynamic stability) performed at Invitae indicates that this missense variant is expected to disrupt COL11A1 protein function with a positive predictive value of 80%. In summary, the available evidence is currently insufficient to determine the role of this variant in disease. Therefore, it has been classified as a Variant of Uncertain Significance.

NM_001854.4(COL11A1):c.2207G>T (p.Gly736Val)

Gene: COL11A1 (collagen type XI alpha 1 chain; minus strand). Cytogenetic location: 1p21.1.
Variant type: single nucleotide variant.
Coding change: c.2207G>T on transcript NM_001854.4 (MANE Select); coding-DNA position 2207, G replaced by T.
Protein change: p.Gly736Val; replaces glycine 736 with valine.
Molecular consequence: missense variant. On other transcripts: non-coding transcript variant (1).
Genome position (GRCh38, 1-based): chr1:102,997,114, C>A on the plus strand (G>T on the coding strand, the complement: COL11A1 is on the minus strand). VCF-style: chr1-102997114-C-A. GRCh37 (hg19) VCF-style: chr1-103462670-C-A.
Other names: c.2090G>T, p.Gly697Val (NM_001190709.2); c.2243G>T, p.Gly748Val (NM_080629.3); c.1859G>T, p.Gly620Val (NM_080630.4); short protein forms G620V, G736V, G748V, G697V.
Identifiers: ClinVar variation 1514828 (VCV001514828.8), dbSNP rs2101800983, ClinGen allele CA341169496.
Genomic context (GRCh38, chr1:102,997,114, plus strand): 5'-ATTTAAATGGATACTTTGGAACCTACCAGAGCCCCCTTTTCTCCAGACTGGCCTTCTTTC[C>A]CAGGATGACCCTATATTTAGCAAAAACATACACTGATAAGATGTAATATAAACATAGTTG-3'
Protein context (NP_001845.3, residues 726-746): PGADGPPGHP[Gly736Val]KEGQSGEKGA